The following is an entry in ClinVar:

ClinVar aggregate classification (germline): Uncertain significance (1 of 4 stars; one submission).

Conditions:
Neurodegeneration, childhood-onset, with cerebellar atrophy. Identifiers: MedGen C4748934, MONDO:0032650, OMIM 618276.

gnomAD v4.1: 12 of 152,080 alleles (0.0079%); highest among the groups gnomAD compares: South Asian, 0.23%; no homozygotes.

Submission:

3billion
Classification: Uncertain significance for Neurodegeneration, childhood-onset, with cerebellar atrophy. Last evaluated: 2025-11-05. Review status: criteria provided, single submitter. Criteria: ACMG Guidelines, 2015. Collection method: clinical testing. Allele origin: germline. Affected: yes.
Comment: The variant is not observed in the gnomAD v4.1.0 dataset. Predicted Consequence/Location: Canonical splice site: predicted to alter splicing and result in a loss or disruption of normal protein function. Multiple pathogenic loss-of-function variants are reported downstream of the variant. In silico tools predict the variant to alter splicing and produce an abnormal transcript [SpliceAI: 1.00 (spliceogenicity >=0.2, non-spliceogenicity <0.1)]. Therefore, this variant is classified as Likely pathogenic according to the recommendation of ACMG/AMP guideline.

NM_001330701.2(AGTPBP1):c.2336-10178A>T

Gene: AGTPBP1 (ATP/GTP binding carboxypeptidase 1; minus strand). Cytogenetic location: 9q21.33.
Variant type: single nucleotide variant.
Coding change: c.2336-10178A>T on transcript NM_001330701.2 (MANE Select); 10178 bases into the intron before coding-DNA position 2336, A replaced by T.
Molecular consequence: intron variant.
Genome position (GRCh38, 1-based): chr9:85,606,627, T>A on the plus strand (A>T on the coding strand, the complement: AGTPBP1 is on the minus strand). VCF-style: chr9-85606627-T-A. GRCh37 (hg19) VCF-style: chr9-88221542-T-A.
Other names: c.2372-10178A>T (NM_001286717.1); c.2492-10178A>T (NM_001286715.1); c.2216-10178A>T (NM_015239.3).
Identifiers: ClinVar variation 4854721 (VCV004854721.1).
Genomic context (GRCh38, chr9:85,606,627, plus strand): 5'-AAAGGAAATCAGTATACTGAAAGGATACCTACACCCACCCCATGTTTATTGTAGCACTAT[T>A]CACAATAGCAAAGATATGAATCAACCTCAGCATCCATCAATGGATGAATGAATATAGAAA-3'